The following is an entry in ClinVar:

NM_005263.5(GFI1):c.53C>T (p.Pro18Leu)

Gene: GFI1 (growth factor independent 1 transcriptional repressor; minus strand). Cytogenetic location: 1p22.1.
Variant type: single nucleotide variant.
Coding change: c.53C>T on transcript NM_005263.5 (MANE Select); coding-DNA position 53, C replaced by T.
Protein change: p.Pro18Leu; replaces proline 18 with leucine.
Molecular consequence: missense variant.
Genome position (GRCh38, 1-based): chr1:92,483,435, G>A on the plus strand (C>T on the coding strand, the complement: GFI1 is on the minus strand). VCF-style: chr1-92483435-G-A. GRCh37 (hg19) VCF-style: chr1-92948992-G-A.
Other names: c.53C>T, p.Pro18Leu (NM_001127215.3, NM_001127216.3); short protein forms P18L.
Identifiers: ClinVar variation 4029407 (VCV004029407.1).

ClinVar aggregate classification (germline): Uncertain significance (1 of 4 stars; one submission).

gnomAD v4.1: 3 of 1,613,658 alleles (0.00019%); highest among the groups gnomAD compares: Non-Finnish European, 0.00025%; no homozygotes.

Submission:

Ambry Genetics
Classification: Uncertain significance. Last evaluated: 2025-04-29. Review status: criteria provided, single submitter. Criteria: Ambry Variant Classification Scheme 2023. Collection method: clinical testing. Allele origin: germline.
Comment: The p.P18L variant (also known as c.53C>T), located in coding exon 1 of the GFI1 gene, results from a C to T substitution at nucleotide position 53. The proline at codon 18 is replaced by leucine, an amino acid with similar properties. This amino acid position is conserved. In addition, this alteration is predicted to be tolerated by in silico analysis. Based on the available evidence, the clinical significance of this variant remains unclear.